The following is an entry in ClinVar:

NM_020297.4(ABCC9):c.3771+8T>C

Genes: ABCC9 (ATP binding cassette subfamily C member 9; minus strand), KCNJ8-AS1 (KCNJ8 antisense RNA 1; plus strand). Cytogenetic location: 12p12.1.
Variant type: single nucleotide variant.
Coding change: c.3771+8T>C on transcript NM_020297.4 (MANE Select); 8 bases into the intron after coding-DNA position 3771, T replaced by C.
Molecular consequence: intron variant.
Genome position (GRCh38, 1-based): chr12:21,818,142, A>G on the plus strand (T>C on the coding strand, the complement: ABCC9 is on the minus strand). VCF-style: chr12-21818142-A-G. GRCh37 (hg19) VCF-style: chr12-21971076-A-G.
Other names: p.?; c.3771+8T>C (NM_005691.3, NM_005691.4, NM_001377273.1); c.2904+8T>C (NM_001377274.1).
Identifiers: ClinVar variation 1107378 (VCV001107378.12), dbSNP rs371288129, ClinGen allele CA6481034.

ClinVar aggregate classification (germline): Likely benign. Review status: criteria provided, multiple submitters, no conflicts (2 of 4 stars). 3 submissions from 3 submitters: Likely benign (3). Last evaluated 2025-06-24.

Conditions:
Dilated cardiomyopathy 1O (CMD1O). Also called: CARDIOMYOPATHY, DILATED, WITH VENTRICULAR TACHYCARDIA. Identifiers: Orphanet 154, MedGen C1837839, MONDO:0012062, OMIM 608569.

Allele frequency attached by ClinVar (database versions not stated): gnomAD 0.00001; ExAC 0.00002; gnomAD exomes 0.00003; ESP Exome Variant Server 0.00008.
gnomAD v4.1: 48 of 1,592,654 alleles (0.003%); highest among the groups gnomAD compares: Non-Finnish European, 0.0036%; no homozygotes.

Submissions (3):

Mayo Clinic Laboratories, Mayo Clinic
Classification: Likely benign. Last evaluated: 2025-06-24. Review status: criteria provided, single submitter. Criteria: ACMG Guidelines, 2015. Collection method: clinical testing. Allele origin: germline. Observed: 1 variant allele.
Comment: BP4, BP7

Labcorp Genetics (formerly Invitae), Labcorp
Classification: Likely benign for Dilated cardiomyopathy 1O. Last evaluated: 2025-06-11. Review status: criteria provided, single submitter. Criteria: Invitae Variant Classification Sherloc (09022015). Collection method: clinical testing. Allele origin: germline.

Women's Health and Genetics/Laboratory Corporation of America, LabCorp
Classification: Likely benign. Last evaluated: 2025-04-15. Review status: criteria provided, single submitter. Criteria: LabCorp Variant Classification Summary - May 2015. Collection method: clinical testing. Allele origin: germline.